The following is an entry in ClinVar:

NM_001127208.3(TET2):c.1105C>T (p.Arg369Trp)

Genes: TET2 (tet methylcytosine dioxygenase 2; plus strand), TET2-AS1 (TET2 antisense RNA 1; minus strand). Cytogenetic location: 4q24.
Variant type: single nucleotide variant.
Coding change: c.1105C>T on transcript NM_001127208.3 (MANE Select); coding-DNA position 1105, C replaced by T.
Protein change: p.Arg369Trp; replaces arginine 369 with tryptophan.
Molecular consequence: missense variant.
Genome position (GRCh38, 1-based): chr4:105,235,047, C>T. VCF-style: chr4-105235047-C-T. GRCh37 (hg19) VCF-style: chr4-106156204-C-T.
Other names: c.1105C>T, p.Arg369Trp (NM_017628.4); short protein forms R369W.
Identifiers: ClinVar variation 2173854 (VCV002173854.6), dbSNP rs150072691, ClinGen allele CA3031625.

ClinVar aggregate classification (germline): Uncertain significance. Review status: criteria provided, multiple submitters, no conflicts (2 of 4 stars). 3 submissions from 3 submitters: Uncertain significance (3). Last evaluated 2025-06-03.

Conditions:
TET2-related disorder. Also called: TET2-related condition.

Allele frequency attached by ClinVar (database versions not stated): gnomAD exomes 0.00003; ExAC 0.00007; gnomAD 0.00010; ESP Exome Variant Server 0.00015; TOPMed 0.00016; 1000 Genomes Project 30x 0.00031; 1000 Genomes Project 0.00040.
gnomAD v4.1: 57 of 1,614,112 alleles (0.0035%); highest among the groups gnomAD compares: African/African-American, 0.032%; no homozygotes.

Submissions (3):

PreventionGenetics, part of Exact Sciences
Classification: Uncertain significance for TET2-related condition. Last evaluated: 2025-06-03. Review status: criteria provided, single submitter. Criteria: ACMG Guidelines, 2015. Collection method: clinical testing. Allele origin: germline.
Comment: The TET2 c.1105C>T variant is predicted to result in the amino acid substitution p.Arg369Trp. To our knowledge, this variant has not been reported in the literature. This variant is reported in 0.036% of alleles in individuals of African descent in gnomAD. At this time, the clinical significance of this variant is uncertain due to the absence of conclusive functional and genetic evidence.

Labcorp Genetics (formerly Invitae), Labcorp
Classification: Uncertain significance. Last evaluated: 2024-12-09. Review status: criteria provided, single submitter. Criteria: Invitae Variant Classification Sherloc (09022015). Collection method: clinical testing. Allele origin: germline.
Comment: This sequence change replaces arginine, which is basic and polar, with tryptophan, which is neutral and slightly polar, at codon 369 of the TET2 protein (p.Arg369Trp). This variant is present in population databases (rs150072691, gnomAD 0.04%). This variant has not been reported in the literature in individuals affected with TET2-related conditions. ClinVar contains an entry for this variant (Variation ID: 2173854). An algorithm developed to predict the effect of missense changes on protein structure and function outputs the following: PolyPhen-2: "Possibly Damaging". The tryptophan amino acid residue is found in multiple mammalian species, which suggests that this missense change does not adversely affect protein function. In summary, the available evidence is currently insufficient to determine the role of this variant in disease. Therefore, it has been classified as a Variant of Uncertain Significance.

Genetic Services Laboratory, University of Chicago
Classification: Uncertain significance. Last evaluated: 2023-09-22. Review status: criteria provided, single submitter. Criteria: ACMG Guidelines, 2015. Collection method: clinical testing. Allele origin: germline. Affected: no.
Comment: DNA sequence analysis of the TET2 gene demonstrated a sequence change, c.1105C>T, in exon 3 that results in an amino acid change, p.Arg369Trp. This sequence change does not appear to have been previously described in individuals with TET2-related immunodeficiency. It has been reported in association with chronic lymphocytic leukemia in one report but germline status was undetermined (PMID: 24693539). This sequence change has been described in the gnomAD database with an overall frequency of 0.007% (dbSNP rs150072691). The p.Arg369Trp change affects a poorly conserved amino acid residue located in a domain of the TET2 protein that is not known to be functional. In-silico pathogenicity prediction tools (SIFT, PolyPhen2, Align GVGD, REVEL) provide contradictory results for the p.Arg369Trp substitution. Due to insufficient evidences and the lack of functional studies, the clinical significance of the p.Arg369Trp change remains unknown at this time.